The following is an entry in ClinVar:

NM_004006.3(DMD):c.3603+2dup

Gene: DMD (dystrophin; minus strand). Cytogenetic location: Xp21.1.
Variant type: Duplication.
Coding change: c.3603+2dup on transcript NM_004006.3 (MANE Select); the canonical splice donor site of the intron after coding-DNA position 3603, one base duplicated (T; older notation c.3603+2dupT).
Molecular consequence: splice donor variant.
Genome position (GRCh38, 1-based): chrX:32,454,660, A duplicated on the plus strand (T on the coding strand, the reverse complement: DMD is on the minus strand). VCF-style (leftmost placement, unchanged base first): chrX-32454659-T-TA. GRCh37 (hg19) VCF-style: chrX-32472776-T-TA.
Other names: c.3579+2dup (NM_000109.4); c.3591+2dup (NM_004009.3); c.3234+2dup (NM_004010.3).
Identifiers: ClinVar variation 497147 (VCV000497147.11), dbSNP rs796523999, ClinGen allele CA327996923.
Genomic context (GRCh38, chrX:32,454,659, plus strand): 5'-GCATTTCTTTCTTTTTCCATTTATTTCCTTTGTTTTACTTAGTTTTTCTTTTTTTTTTTT[T>TA]ACCTTCATCTCTTCAACTGCTTTCTGTAATTCATCTGGAGTTTTATATTCAAAATCTCTC-3'

ClinVar aggregate classification (germline): Pathogenic. Review status: criteria provided, multiple submitters, no conflicts (2 of 4 stars). 4 submissions from 4 submitters: Pathogenic (4). Last evaluated 2024-06-22.

Conditions:
Becker muscular dystrophy (BMD). Also called: MUSCULAR DYSTROPHY, PSEUDOHYPERTROPHIC PROGRESSIVE, BECKER TYPE; Becker Muscular Dystrophy (BMD). Identifiers: Orphanet 98895, MedGen C0917713, MONDO:0010311, OMIM 300376.
Duchenne muscular dystrophy (DMD). Also called: MUSCULAR DYSTROPHY, PSEUDOHYPERTROPHIC PROGRESSIVE, DUCHENNE TYPE; Duchenne Muscular Dystrophy (DMD). Identifiers: Orphanet 98896, MedGen C0013264, MONDO:0010679, OMIM 310200.

Submissions (4):

Revvity Omics, Revvity
Classification: Pathogenic. Last evaluated: 2024-06-22. Review status: criteria provided, single submitter. Criteria: ACMG Guidelines, 2015. Collection method: clinical testing. Allele origin: germline.

Neuberg Centre For Genomic Medicine, NCGM
Classification: Pathogenic for Becker muscular dystrophy. Last evaluated: 2023-06-22. Review status: criteria provided, single submitter. Criteria: ACMG Guidelines, 2015. Collection method: clinical testing. Allele origin: germline. Inheritance: X-linked recessive inheritance. Affected: yes.
Comment: The observed splice region c.3603+2dup variant in DMD gene has been reported previously in hemizygous and heterozygous states in individuals affected with DMD-related dystrophinopathies (Xu Y, et al., 2018; Juan-Mateu J, et al., 2013; Deburgrave N, et al., 2007). The c.3603+2dup variant is absent in gnomAD Exomes. This variant has been submitted to the ClinVar database as Pathogenic. SpliceAI predicts this variant to cause splice donor loss (0.83). Loss of function variants have been previously reported to be disease causing. For these reasons, this variant has been classified as Pathogenic.

Mendelics
Classification: Pathogenic for Duchenne muscular dystrophy. Last evaluated: 2019-05-28. Review status: criteria provided, single submitter. Criteria: Mendelics Assertion Criteria 2017. Collection method: clinical testing. Allele origin: unknown.

Eurofins Ntd Llc (ga)
Classification: Pathogenic. Last evaluated: 2017-12-11. Review status: criteria provided, single submitter. Criteria: EGL Classification Definitions 2015. Collection method: clinical testing. Allele origin: germline. Observed: 4 variant alleles, 1 heterozygote, 3 hemizygotes.

Literature cited by the submitters: PubMed 17041906 (cited by Eurofins Ntd Llc (ga)); PubMed 19937601 (cited by Eurofins Ntd Llc (ga)); PubMed 23536893 (cited by Eurofins Ntd Llc (ga)).